The following is an entry in ClinVar:

NM_033026.6(PCLO):c.488T>A (p.Leu163Ter)

Gene: PCLO (piccolo presynaptic cytomatrix protein; minus strand). Cytogenetic location: 7q21.11.
Variant type: single nucleotide variant.
Coding change: c.488T>A on transcript NM_033026.6 (MANE Select); coding-DNA position 488, T replaced by A.
Protein change: p.Leu163Ter; replaces leucine 163 with a stop codon.
Molecular consequence: nonsense.
Genome position (GRCh38, 1-based): chr7:83,156,153, A>T on the plus strand (T>A on the coding strand, the complement: PCLO is on the minus strand). VCF-style: chr7-83156153-A-T. GRCh37 (hg19) VCF-style: chr7-82785469-A-T.
Other names: c.488T>A, p.Leu163Ter (NM_014510.3); short protein forms L163*.
Identifiers: ClinVar variation 1389315 (VCV001389315.1), dbSNP rs2116693349, ClinGen allele CA367920991.

ClinVar aggregate classification (germline): Pathogenic (1 of 4 stars; one submission).

Submission:

Labcorp Genetics (formerly Invitae), Labcorp
Classification: Pathogenic. Last evaluated: 2021-01-19. Review status: criteria provided, single submitter. Criteria: Invitae Variant Classification Sherloc (09022015). Collection method: clinical testing. Allele origin: germline.
Comment: This sequence change creates a premature translational stop signal (p.Leu163*) in the PCLO gene. It is expected to result in an absent or disrupted protein product. Loss-of-function variants in PCLO are known to be pathogenic (PMID: 25832664, 30287594). This variant is not present in population databases (ExAC no frequency). This variant has not been reported in the literature in individuals with PCLO-related conditions. For these reasons, this variant has been classified as Pathogenic.

Literature cited by the submitters: PubMed 25832664; PubMed 30287594.